The following is an entry in ClinVar:

ClinVar aggregate classification (germline): Pathogenic/Likely pathogenic. Review status: criteria provided, multiple submitters, no conflicts (2 of 4 stars). 3 submissions from 3 submitters: Pathogenic (1); Likely pathogenic (2). Last evaluated 2023-10-16.

Conditions:
Inborn genetic diseases. Identifiers: MedGen C0950123, MeSH D030342.
Developmental and epileptic encephalopathy, 8 (DEE8). Also called: HYPEREKPLEXIA AND EPILEPSY. Identifiers: Orphanet 163985, Orphanet 2076, MedGen C1845102, MONDO:0010375, OMIM 300607.

Submissions (3):

Labcorp Genetics (formerly Invitae), Labcorp
Classification: Pathogenic for Developmental and epileptic encephalopathy, 8. Last evaluated: 2023-10-16. Review status: criteria provided, single submitter. Criteria: Invitae Variant Classification Sherloc (09022015). Collection method: clinical testing. Allele origin: germline.
Comment: This sequence change replaces arginine, which is basic and polar, with tryptophan, which is neutral and slightly polar, at codon 338 of the ARHGEF9 protein (p.Arg338Trp). This variant is not present in population databases (gnomAD no frequency). This missense change has been observed in individual(s) with syndromic X-linked intellectual disability or epileptic encephalopathy (PMID: 26834553; Invitae). In at least one individual the variant was observed to be de novo. It has also been observed to segregate with disease in related individuals. ClinVar contains an entry for this variant (Variation ID: 225050). Advanced modeling of protein sequence and biophysical properties (such as structural, functional, and spatial information, amino acid conservation, physicochemical variation, residue mobility, and thermodynamic stability) has been performed at Invitae for this missense variant, however the output from this modeling did not meet the statistical confidence thresholds required to predict the impact of this variant on ARHGEF9 protein function. Experimental studies have shown that this missense change affects ARHGEF9 function (PMID: 26834553). For these reasons, this variant has been classified as Pathogenic.

GeneDx
Classification: Likely pathogenic. Last evaluated: 2023-01-05. Review status: criteria provided, single submitter. Criteria: GeneDx Variant Classification Process June 2021. Collection method: clinical testing. Allele origin: germline. Affected: yes.
Comment: In silico analysis supports that this missense variant has a deleterious effect on protein structure/function; Not observed at significant frequency in large population cohorts (gnomAD); This variant is associated with the following publications: (PMID: 28589177, 25356970, 26834553, 30914922, 31293385, 29130122, 28589176, 31942680, 33600053, 25679214, 34851771, 35638461)

Ambry Genetics
Classification: Likely pathogenic for Inborn genetic diseases. Last evaluated: 2013-06-18. Review status: criteria provided, single submitter. Criteria: Ambry Autosomal Dominant and X-Linked criteria (10/2015). Collection method: clinical testing. Allele origin: germline. Observed: 1 variant allele.

Literature cited by the submitters: PubMed 26834553 (cited by Labcorp Genetics (formerly Invitae), Labcorp).

NM_001353921.2(ARHGEF9):c.1033C>T (p.Arg345Trp)

Gene: ARHGEF9 (Cdc42 guanine nucleotide exchange factor 9; minus strand). Cytogenetic location: Xq11.1.
Variant type: single nucleotide variant.
Coding change: c.1033C>T on transcript NM_001353921.2 (MANE Select); coding-DNA position 1033, C replaced by T.
Protein change: p.Arg345Trp; replaces arginine 345 with tryptophan.
Molecular consequence: missense variant. On other transcripts: intron variant (5).
Genome position (GRCh38, 1-based): chrX:63,665,930, G>A on the plus strand (C>T on the coding strand, the complement: ARHGEF9 is on the minus strand). VCF-style: chrX-63665930-G-A. GRCh37 (hg19) VCF-style: chrX-62885810-G-A.
Other names: c.853C>T, p.Arg285Trp (NM_001173479.2); c.706C>T, p.Arg236Trp (NM_001173480.2, NM_001369042.1); c.949C>T, p.Arg317Trp (NM_001330495.2, NM_001369033.1, NM_001369034.1 and 6 more transcripts); c.1051C>T, p.Arg351Trp (NM_001353923.1); c.832C>T, p.Arg278Trp (NM_001353924.2, NM_001353926.2, NM_001369039.1 and 1 more transcripts); c.1012C>T, p.Arg338Trp (NM_001369030.1, NM_001369031.1, NM_001369032.1 and 1 more transcripts); c.945+8108C>T (NM_001353922.2); c.861+8108C>T (NM_001369041.1, NM_001353927.2); and 2 more; short protein forms R338W, R285W, R351W, R236W, R278W, R317W, R345W.
Identifiers: ClinVar variation 225050 (VCV000225050.20), dbSNP rs869312941, ClinGen allele CA358247.
Genomic context (GRCh38, chrX:63,665,930, plus strand): 5'-AAGGGGGCAGGGTTACCTTCTTGCAGAGGACCATCTGGTGGTCAAACAGGAAGAAGACCC[G>A]CTGCTGGTTGCGGCCGTAGGGCTGGTAGATCCAGGCCATCTCCCCAGTGTAGATCAGCTC-3'
Protein context (NP_001340850.1, residues 335-355): IYQPYGRNQQ[Arg345Trp]VFFLFDHQMV